The following is an entry in ClinVar:

NM_000059.4(BRCA2):c.3904A>C (p.Thr1302Pro)

Gene: BRCA2 (BRCA2 DNA repair associated; plus strand). Cytogenetic location: 13q13.1.
Variant type: single nucleotide variant.
Coding change: c.3904A>C on transcript NM_000059.4 (MANE Select); coding-DNA position 3904, A replaced by C.
Protein change: p.Thr1302Pro; replaces threonine 1302 with proline.
Molecular consequence: missense variant. On other transcripts: non-coding transcript variant (1), intron variant (2).
Genome position (GRCh38, 1-based): chr13:32,338,259, A>C. VCF-style: chr13-32338259-A-C. GRCh37 (hg19) VCF-style: chr13-32912396-A-C.
Other names: c.3904A>C, p.Thr1302Pro (NM_001406719.1, NM_001406720.1, NM_001432077.1); c.1909+4872A>C (NM_001406721.1); c.425-6299A>C (NM_001406722.1); short protein forms T1302P.
Identifiers: ClinVar variation 3636469 (VCV003636469.2).

ClinVar aggregate classification (germline): Uncertain significance (1 of 4 stars; one submission).

Conditions:
Hereditary breast ovarian cancer syndrome. Also called: Hereditary breast and ovarian cancer syndrome; Hereditary breast and ovarian cancer syndrome (HBOC); BRCA1- and BRCA2-Associated Hereditary Breast and Ovarian Cancer; Hereditary breast and ovarian cancer; Breast and ovarian cancer; Hereditary breast and/or ovarian cancer syndrome. Identifiers: Orphanet 145, MedGen C0677776, MeSH D061325, MONDO:0003582. Disease mechanism: loss of function.

Submission:

Labcorp Genetics (formerly Invitae), Labcorp
Classification: Uncertain significance for Hereditary breast ovarian cancer syndrome. Last evaluated: 2024-05-14. Review status: criteria provided, single submitter. Criteria: Invitae Variant Classification Sherloc (09022015). Collection method: clinical testing. Allele origin: germline.
Comment: This sequence change replaces threonine, which is neutral and polar, with proline, which is neutral and non-polar, at codon 1302 of the BRCA2 protein (p.Thr1302Pro). This variant is not present in population databases (gnomAD no frequency). This variant has not been reported in the literature in individuals affected with BRCA2-related conditions. Advanced modeling of protein sequence and biophysical properties (such as structural, functional, and spatial information, amino acid conservation, physicochemical variation, residue mobility, and thermodynamic stability) performed at Invitae indicates that this missense variant is not expected to disrupt BRCA2 protein function with a negative predictive value of 95%. In summary, the available evidence is currently insufficient to determine the role of this variant in disease. Therefore, it has been classified as a Variant of Uncertain Significance.